The following is an entry in ClinVar:

ClinVar aggregate classification (germline): Uncertain significance (1 of 4 stars; one submission).

Conditions:
Dihydropteridine reductase deficiency (HPABH4C). Also called: DHPR DEFICIENCY; BH4-Deficient Hyperphenylalaninemia C; Hyperphenylalaninemia due to dihydropteridine reductase deficiency; Hyperphenylalaninemia, BH-4-deficient, C; Phenylketonuria type 2; HYPERPHENYLALANINEMIA, TETRAHYDROBIOPTERIN-DEFICIENT, DUE TO DHPR DEFICIENCY. Identifiers: Orphanet 226, Orphanet 238583, MedGen C0268465, MONDO:0009862, OMIM 261630.

Submission:

Labcorp Genetics (formerly Invitae), Labcorp
Classification: Uncertain significance for Dihydropteridine reductase deficiency. Last evaluated: 2021-10-15. Review status: criteria provided, single submitter. Criteria: Invitae Variant Classification Sherloc (09022015). Collection method: clinical testing. Allele origin: germline.
Comment: In summary, the available evidence is currently insufficient to determine the role of this variant in disease. Therefore, it has been classified as a Variant of Uncertain Significance. This sequence change replaces cysteine with tyrosine at codon 104 of the QDPR protein (p.Cys104Tyr). The cysteine residue is moderately conserved and there is a large physicochemical difference between cysteine and tyrosine. This variant is not present in population databases (ExAC no frequency). This variant has been observed in individual(s) with dihydropteridine reductase (DHPR) deficiency (PMID: 23138986). Algorithms developed to predict the effect of missense changes on protein structure and function are either unavailable or do not agree on the potential impact of this missense change (SIFT: "Deleterious"; PolyPhen-2: "Probably Damaging"; Align-GVGD: "Class C0").

Literature cited by the submitters: PubMed 23138986.

NM_000320.3(QDPR):c.311G>A (p.Cys104Tyr)

Gene: QDPR (quinoid dihydropteridine reductase; minus strand). Cytogenetic location: 4p15.32.
Variant type: single nucleotide variant.
Coding change: c.311G>A on transcript NM_000320.3 (MANE Select); coding-DNA position 311, G replaced by A.
Protein change: p.Cys104Tyr; replaces cysteine 104 with tyrosine.
Molecular consequence: missense variant. On other transcripts: non-coding transcript variant (1).
Genome position (GRCh38, 1-based): chr4:17,501,844, C>T on the plus strand (G>A on the coding strand, the complement: QDPR is on the minus strand). VCF-style: chr4-17501844-C-T. GRCh37 (hg19) VCF-style: chr4-17503467-C-T.
Other names: c.218G>A, p.Cys73Tyr (NM_001306140.2); short protein forms C73Y, C104Y.
Identifiers: ClinVar variation 1478846 (VCV001478846.6), dbSNP rs2108993051, ClinGen allele CA356448809.